The following is an entry in ClinVar:

NM_000138.5(FBN1):c.8377T>C (p.Tyr2793His)

Gene: FBN1 (fibrillin 1; minus strand). Cytogenetic location: 15q21.1.
Variant type: single nucleotide variant.
Coding change: c.8377T>C on transcript NM_000138.5 (MANE Select); coding-DNA position 8377, T replaced by C.
Protein change: p.Tyr2793His; replaces tyrosine 2793 with histidine.
Molecular consequence: missense variant.
Genome position (GRCh38, 1-based): chr15:48,411,229, A>G on the plus strand (T>C on the coding strand, the complement: FBN1 is on the minus strand). VCF-style: chr15-48411229-A-G. GRCh37 (hg19) VCF-style: chr15-48703426-A-G.
Other names: short protein forms Y2793H.
Identifiers: ClinVar variation 549461 (VCV000549461.21), dbSNP rs113722038, ClinGen allele CA269518600.

ClinVar aggregate classification (germline): Conflicting classifications of pathogenicity. Review status: criteria provided, conflicting classifications (1 of 4 stars). 4 submissions from 4 submitters: Likely pathogenic (2); Uncertain significance (1). 1 of the submissions does not count toward it. Last evaluated 2025-07-03.

Conditions:
Familial thoracic aortic aneurysm and aortic dissection (TAAD). Also called: Thoracic aortic aneurysms and dissections. Identifiers: Orphanet 91387, MedGen C4707243, MONDO:0019625.
Marfan syndrome (MFS). Also called: Marfan syndrome type 1; Marfan syndrome, classic; Marfan's syndrome; FBN1-Related Marfan Syndrome; MARFAN SYNDROME, TYPE I. Identifiers: Orphanet 284963, Orphanet 558, MedGen C0024796, MONDO:0007947, OMIM 154700.

Submissions (4):

Ambry Genetics
Classification: Likely pathogenic for Familial thoracic aortic aneurysm and aortic dissection. Last evaluated: 2025-07-03. Review status: criteria provided, single submitter. Criteria: Ambry Variant Classification Scheme 2023. Collection method: clinical testing. Allele origin: germline.
Comment: The p.Y2793H variant (also known as c.8377T>C), located in coding exon 65 of the FBN1 gene, results from a T to C substitution at nucleotide position 8377. The tyrosine at codon 2793 is replaced by histidine, an amino acid with similar properties. This variant was reported in individual(s) with features consistent with Marfan syndrome (Meester JAN et al. Genet Med, 2022 May;24:1045-1053; Baetens M et al. Hum Mutat, 2011 Sep;32:1053-62; external communication; Ambry internal data). This amino acid position is highly conserved in available vertebrate species. In addition, this alteration is predicted to be deleterious by in silico analysis. This variant is considered to be rare based on population cohorts in the Genome Aggregation Database (gnomAD). Based on the majority of available evidence to date, this variant is likely to be pathogenic.

Centre of Medical Genetics, University of Antwerp
Classification: Likely pathogenic for Marfan syndrome. Last evaluated: 2021-03-01. Review status: criteria provided, single submitter. Criteria: Submitter's publication. Collection method: research. Allele origin: unknown. Affected: yes.
Comment: PM2, PS1, PP4

Petrovsky National Research Centre of Surgery, The Federal Agency for Scientific Organizations
Classification: Uncertain significance for Marfan syndrome. Last evaluated: 2019-08-14. Review status: criteria provided, single submitter. Criteria: ACMG Guidelines, 2015. Collection method: clinical testing. Allele origin: unknown. Inheritance: Autosomal dominant inheritance. Affected: yes. Observed: 1 heterozygote.
Comment: The p.Tyr2793His variant was reported in one individual of unknown causality with Marfan Syndrome (PMID: 21542060) and is absent from population studies (ExAC no frequency). This variant has a ClinVar entry (Variation ID:549461). The Tyrosine to Histidine is a non conserved Substitution occuring in FibuCTDIII-like motif, which potentially affects its ability in protein-protein interactions. FBN1 is known to be more intolerant to missense variants (ExAC Z score = 5.33). Computational tools like Provean, PolyPhen2, MutationTaster all show damaging effect. Basing on this evidences p.Tyr2793His is classified as Uncertain Significance, leaning more towards Pathogenic spectrum, though without functional study Benign result can't be excluded.

Center for Medical Genetics Ghent, University of Ghent
Classification: Uncertain significance for Marfan syndrome. Last evaluated: 2017-11-07. Review status: no assertion criteria provided. Collection method: clinical testing. Allele origin: germline. Affected: yes. Not counted in ClinVar's aggregate classification.

Literature cited by the submitters: PubMed 21542060 (cited by Ambry Genetics); PubMed 35058154 (cited by Ambry Genetics).